The following is an entry in ClinVar:

NM_004360.5(CDH1):c.2026G>T (p.Asp676Tyr)

Gene: CDH1 (cadherin 1; plus strand). Cytogenetic location: 16q22.1.
Variant type: single nucleotide variant.
Coding change: c.2026G>T on transcript NM_004360.5 (MANE Select); coding-DNA position 2026, G replaced by T.
Protein change: p.Asp676Tyr; replaces aspartic acid 676 with tyrosine.
Molecular consequence: missense variant.
Genome position (GRCh38, 1-based): chr16:68,823,488, G>T. VCF-style: chr16-68823488-G-T. GRCh37 (hg19) VCF-style: chr16-68857391-G-T.
Other names: c.1843G>T, p.Asp615Tyr (NM_001317184.2); c.478G>T, p.Asp160Tyr (NM_001317185.2); c.61G>T, p.Asp21Tyr (NM_001317186.2); short protein forms D160Y, D676Y, D21Y, D615Y.
Identifiers: ClinVar variation 820541 (VCV000820541.19), dbSNP rs115408226, ClinGen allele CA8130187.

ClinVar aggregate classification (germline): Uncertain significance. Review status: criteria provided, multiple submitters, no conflicts (2 of 4 stars). 4 submissions from 4 submitters: Uncertain significance (4). Last evaluated 2025-07-14.

Conditions:
Hereditary cancer-predisposing syndrome. Also called: Hereditary Cancer Syndrome; Neoplastic Syndromes, Hereditary; Hereditary neoplastic syndrome; Tumor predisposition. Identifiers: Orphanet 140162, MedGen C0027672, MeSH D009386, MONDO:0015356.
Hereditary diffuse gastric adenocarcinoma (HDGC). Also called: DIFFUSE GASTRIC AND LOBULAR BREAST CANCER SYNDROME. Identifiers: Orphanet 26106, MedGen C1708349, MONDO:0007648, OMIM 137215.

Allele frequency attached by ClinVar (database versions not stated): 1000 Genomes Project 30x 0.00016.
gnomAD v4.1: 3 of 1,614,044 alleles (0.00019%); highest among the groups gnomAD compares: African/African-American, 0.0027%; no homozygotes.

Submissions (4):

Ambry Genetics
Classification: Uncertain significance for Hereditary cancer-predisposing syndrome. Last evaluated: 2025-07-14. Review status: criteria provided, single submitter. Criteria: Ambry Variant Classification Scheme 2023. Collection method: clinical testing. Allele origin: germline.
Comment: The p.D676Y variant (also known as c.2026G>T), located in coding exon 13 of the CDH1 gene, results from a G to T substitution at nucleotide position 2026. The aspartic acid at codon 676 is replaced by tyrosine, an amino acid with highly dissimilar properties. This amino acid position is not well conserved in available vertebrate species. In addition, this alteration is predicted to be tolerated by in silico analysis. Since supporting evidence is limited at this time, the clinical significance of this alteration remains unclear.

Labcorp Genetics (formerly Invitae), Labcorp
Classification: Uncertain significance for Hereditary diffuse gastric adenocarcinoma. Last evaluated: 2024-04-23. Review status: criteria provided, single submitter. Criteria: Invitae Variant Classification Sherloc (09022015). Collection method: clinical testing. Allele origin: germline.
Comment: This sequence change replaces aspartic acid, which is acidic and polar, with tyrosine, which is neutral and polar, at codon 676 of the CDH1 protein (p.Asp676Tyr). This variant is present in population databases (rs115408226, gnomAD 0.007%). This variant has not been reported in the literature in individuals affected with CDH1-related conditions. ClinVar contains an entry for this variant (Variation ID: 820541). An algorithm developed to predict the effect of missense changes on protein structure and function (PolyPhen-2) suggests that this variant is likely to be disruptive. In summary, the available evidence is currently insufficient to determine the role of this variant in disease. Therefore, it has been classified as a Variant of Uncertain Significance.

GeneDx
Classification: Uncertain significance. Last evaluated: 2024-04-16. Review status: criteria provided, single submitter. Criteria: GeneDx Variant Classification Process June 2021. Collection method: clinical testing. Allele origin: germline. Affected: yes.
Comment: Not observed at significant frequency in large population cohorts (gnomAD); In silico analysis supports that this missense variant has a deleterious effect on protein structure/function; Has not been previously published as pathogenic or benign to our knowledge

Color Diagnostics, LLC DBA Color Health
Classification: Uncertain significance for Hereditary cancer-predisposing syndrome. Last evaluated: 2023-12-04. Review status: criteria provided, single submitter. Criteria: ACMG Guidelines, 2015. Collection method: clinical testing. Allele origin: germline.
Comment: This missense variant replaces aspartic acid with tyrosine at codon 676 of the CDH1 protein. To our knowledge, functional studies have not been reported for this variant. This variant has not been reported in individuals affected with CDH1-related disorders in the literature. This variant has not been identified in the general population by the Genome Aggregation Database (gnomAD). The available evidence is insufficient to determine the role of this variant in disease conclusively. Therefore, this variant is classified as a Variant of Uncertain Significance.